The following is an entry in ClinVar:

NM_020297.4(ABCC9):c.3895C>T (p.Pro1299Ser)

Genes: ABCC9 (ATP binding cassette subfamily C member 9; minus strand), KCNJ8-AS1 (KCNJ8 antisense RNA 1; plus strand). Cytogenetic location: 12p12.1.
Variant type: single nucleotide variant.
Coding change: c.3895C>T on transcript NM_020297.4 (MANE Select); coding-DNA position 3895, C replaced by T.
Protein change: p.Pro1299Ser; replaces proline 1299 with serine.
Molecular consequence: missense variant.
Genome position (GRCh38, 1-based): chr12:21,815,891, G>A on the plus strand (C>T on the coding strand, the complement: ABCC9 is on the minus strand). VCF-style: chr12-21815891-G-A. GRCh37 (hg19) VCF-style: chr12-21968825-G-A.
Other names: c.3895C>T, p.Pro1299Ser (NM_001377273.1, NM_005691.4); c.3028C>T, p.Pro1010Ser (NM_001377274.1); short protein forms P1299S, P1010S.
Identifiers: ClinVar variation 2199010 (VCV002199010.4), dbSNP rs1942582040, ClinGen allele CA384136330.

ClinVar aggregate classification (germline): Uncertain significance (1 of 4 stars; one submission).

Conditions:
Dilated cardiomyopathy 1O (CMD1O). Also called: CARDIOMYOPATHY, DILATED, WITH VENTRICULAR TACHYCARDIA. Identifiers: Orphanet 154, MedGen C1837839, MONDO:0012062, OMIM 608569.

Allele frequency attached by ClinVar (database versions not stated): gnomAD 0.00001.
gnomAD v4.1: 1 of 1,612,682 alleles (0.000062%); highest among the groups gnomAD compares: African/African-American, 0.0013%; no homozygotes.

Submission:

Labcorp Genetics (formerly Invitae), Labcorp
Classification: Uncertain significance for Dilated cardiomyopathy 1O. Last evaluated: 2024-07-08. Review status: criteria provided, single submitter. Criteria: Invitae Variant Classification Sherloc (09022015). Collection method: clinical testing. Allele origin: germline.
Comment: This sequence change replaces proline, which is neutral and non-polar, with serine, which is neutral and polar, at codon 1299 of the ABCC9 protein (p.Pro1299Ser). This variant is not present in population databases (gnomAD no frequency). This variant has not been reported in the literature in individuals affected with ABCC9-related conditions. ClinVar contains an entry for this variant (Variation ID: 2199010). An algorithm developed to predict the effect of missense changes on protein structure and function (PolyPhen-2) suggests that this variant is likely to be tolerated. In summary, the available evidence is currently insufficient to determine the role of this variant in disease. Therefore, it has been classified as a Variant of Uncertain Significance.